The following is an entry in ClinVar:

ClinVar aggregate classification (germline): Pathogenic. Review status: criteria provided, multiple submitters, no conflicts (2 of 4 stars). 4 submissions from 4 submitters: Pathogenic (3). 1 of the submissions does not count toward it. Last evaluated 2024-12-30.

Conditions:
Classic homocystinuria. Also called: Homocystinuria due to Cystathionine Beta-Synthase Deficiency; HOMOCYSTINURIA WITH OR WITHOUT RESPONSE TO PYRIDOXINE; Homocystinuria due to CBS deficiency; Cystathionine beta-synthase deficiency; CBS deficiency. Identifiers: Orphanet 394, MedGen C0751202, MONDO:0009352, OMIM 236200.
HYPERHOMOCYSTEINEMIA, THROMBOTIC, CBS-RELATED. Identifiers: MedGen C3150344, OMIM 236200.

Allele frequency attached by ClinVar (database versions not stated): gnomAD exomes 0.00001; ExAC 0.00001.

Submissions (4):

Natera, Inc.
Classification: Pathogenic for Homocystinuria due to cystathionine beta-synthase deficiency. Last evaluated: 2024-12-30. Review status: criteria provided, single submitter. Criteria: Natera Variant Classification Schema (03/2026). Collection method: clinical testing. Allele origin: germline.
Comment: The c.28delG variant in CBS is a frameshift variant predicted to shift the reading frame beginning at codon 10 and leads to a stop codon 72 codons downstream. This variant is expected to result in nonsense mediated decay, truncation, or a dysfunctional protein product. This variant is rare in the general population with a frequency below the threshold expected for the associated phenotype(s). This variant has been observed in one or more individuals affected with the associated recessive disease, as either homozygous or compound heterozygous with a second variant (PMID: 29352562, 11359213). Additionally, this variant has been observed to segregate in affected family members (PMID: 11359213). Given the available evidence, this variant is classified as Pathogenic.

Labcorp Genetics (formerly Invitae), Labcorp
Classification: Pathogenic for HYPERHOMOCYSTEINEMIA, THROMBOTIC, CBS-RELATED. Last evaluated: 2023-08-17. Review status: criteria provided, single submitter. Criteria: Invitae Variant Classification Sherloc (09022015). Collection method: clinical testing. Allele origin: germline.
Comment: For these reasons, this variant has been classified as Pathogenic. ClinVar contains an entry for this variant (Variation ID: 281010). This variant is also known as c.28_29delG. This premature translational stop signal has been observed in individuals with homocystinuria (PMID: 11359213, 29352562). This variant is present in population databases (rs779250698, gnomAD 0.002%). This sequence change creates a premature translational stop signal (p.Val10Trpfs*72) in the CBS gene. It is expected to result in an absent or disrupted protein product. Loss-of-function variants in CBS are known to be pathogenic (PMID: 10338090, 12124992).

Eurofins Ntd Llc (ga)
Classification: Pathogenic. Last evaluated: 2016-07-07. Review status: criteria provided, single submitter. Criteria: EGL Classification Definitions 2015. Collection method: clinical testing. Allele origin: germline. Observed: 2 variant alleles, 2 heterozygotes.

Counsyl
Classification: Likely pathogenic for Classic homocystinuria. Last evaluated: 2016-07-15. Review status: no assertion criteria provided. Collection method: clinical testing. Allele origin: unknown. Not counted in ClinVar's aggregate classification.

Literature cited by the submitters: PubMed 29352562 (cited by Natera, Inc. and Labcorp Genetics (formerly Invitae), Labcorp); PubMed 11359213 (cited by 3 submitters); PubMed 10338090 (cited by Labcorp Genetics (formerly Invitae), Labcorp); PubMed 12124992 (cited by Labcorp Genetics (formerly Invitae), Labcorp).

NM_000071.3(CBS):c.28del (p.Val10fs)

Gene: CBS (cystathionine beta-synthase; minus strand). Cytogenetic location: 21q22.3.
Variant type: Deletion.
Coding change: c.28del on transcript NM_000071.3 (MANE Select); coding-DNA position 28, one base deleted (G; older notation c.28delG).
Protein change: p.Val10fs; shifts the reading frame from valine 10.
Molecular consequence: frameshift variant.
Genome position (GRCh38, 1-based): chr21:43,072,166, C deleted on the plus strand (G on the coding strand, the reverse complement: CBS is on the minus strand). VCF-style (leftmost placement, unchanged base first): chr21-43072165-AC-A. GRCh37 (hg19) VCF-style: chr21-44492275-AC-A.
Other names: c.28delG (NM_000071.2); c.28del, p.Val10fs (NM_001178008.3, NM_001178009.3, NM_001320298.2); short protein forms V10fs.
Identifiers: ClinVar variation 281010 (VCV000281010.16), dbSNP rs779250698, ClinGen allele CA10603779.